The following is an entry in ClinVar:

ClinVar aggregate classification (germline): Conflicting classifications of pathogenicity. Review status: criteria provided, conflicting classifications (1 of 4 stars). 2 submissions from 2 submitters: Uncertain significance (1); Likely benign (1). Last evaluated 2024-02-05.

Conditions:
Hereditary cancer-predisposing syndrome. Also called: Hereditary Cancer Syndrome; Hereditary neoplastic syndrome; Tumor predisposition; Neoplastic Syndromes, Hereditary. Identifiers: Orphanet 140162, MedGen C0027672, MeSH D009386, MONDO:0015356.
Hereditary breast ovarian cancer syndrome. Also called: Hereditary breast and ovarian cancer syndrome (HBOC); BRCA1- and BRCA2-Associated Hereditary Breast and Ovarian Cancer; Hereditary breast and/or ovarian cancer syndrome; Hereditary breast and ovarian cancer; Breast and ovarian cancer; Hereditary breast and ovarian cancer syndrome. Identifiers: Orphanet 145, MedGen C0677776, MeSH D061325, MONDO:0003582. Disease mechanism: loss of function.

Submissions (2):

Labcorp Genetics (formerly Invitae), Labcorp
Classification: Uncertain significance for Hereditary breast ovarian cancer syndrome. Last evaluated: 2024-02-05. Review status: criteria provided, single submitter. Criteria: Invitae Variant Classification Sherloc (09022015). Collection method: clinical testing. Allele origin: germline.
Comment: This sequence change replaces threonine, which is neutral and polar, with arginine, which is basic and polar, at codon 630 of the BRCA2 protein (p.Thr630Arg). This variant is not present in population databases (gnomAD no frequency). This variant has not been reported in the literature in individuals affected with BRCA2-related conditions. ClinVar contains an entry for this variant (Variation ID: 1956560). Advanced modeling of protein sequence and biophysical properties (such as structural, functional, and spatial information, amino acid conservation, physicochemical variation, residue mobility, and thermodynamic stability) performed at Invitae indicates that this missense variant is not expected to disrupt BRCA2 protein function with a negative predictive value of 95%. In summary, the available evidence is currently insufficient to determine the role of this variant in disease. Therefore, it has been classified as a Variant of Uncertain Significance.

University of Washington Department of Laboratory Medicine, University of Washington
Classification: Likely benign for Hereditary cancer-predisposing syndrome. Last evaluated: 2023-03-23. Review status: criteria provided, single submitter. Criteria: Dines et al. (Genet Med. 2020). Collection method: curation. Allele origin: germline.
Comment: Missense variant in a coldspot region where missense variants are very unlikely to be pathogenic (PMID:31911673).

BRCA2 exon 10 coldspot. Reclassification based on statistical prior probability.

NM_000059.4(BRCA2):c.1889C>G (p.Thr630Arg)

Gene: BRCA2 (BRCA2 DNA repair associated; plus strand). Cytogenetic location: 13q13.1.
Variant type: single nucleotide variant.
Coding change: c.1889C>G on transcript NM_000059.4 (MANE Select); coding-DNA position 1889, C replaced by G.
Protein change: p.Thr630Arg; replaces threonine 630 with arginine.
Molecular consequence: missense variant.
Genome position (GRCh38, 1-based): chr13:32,333,367, C>G. VCF-style: chr13-32333367-C-G. GRCh37 (hg19) VCF-style: chr13-32907504-C-G.
Other names: c.1889C>G, p.Thr630Arg (NM_001406719.1, NM_001406720.1, NM_001406721.1); short protein forms T630R.
Identifiers: ClinVar variation 1956560 (VCV001956560.6), dbSNP rs80358479, ClinGen allele CA387766741.